The following is an entry in ClinVar:

NM_182920.2(ADAMTS9):c.5798G>A (p.Arg1933Gln)

Gene: ADAMTS9 (ADAM metallopeptidase with thrombospondin type 1 motif 9; minus strand). Cytogenetic location: 3p14.1.
Variant type: single nucleotide variant.
Coding change: c.5798G>A on transcript NM_182920.2 (MANE Select); coding-DNA position 5798, G replaced by A.
Protein change: p.Arg1933Gln; replaces arginine 1933 with glutamine.
Molecular consequence: missense variant.
Genome position (GRCh38, 1-based): chr3:64,522,181, C>T on the plus strand (G>A on the coding strand, the complement: ADAMTS9 is on the minus strand). VCF-style: chr3-64522181-C-T. GRCh37 (hg19) VCF-style: chr3-64507857-C-T.
Other names: c.5714G>A, p.Arg1905Gln (NM_001318781.2); short protein forms R1905Q, R1933Q.
Identifiers: ClinVar variation 1294798 (VCV001294798.12), dbSNP rs17070905, ClinGen allele CA2479985.

ClinVar aggregate classification (germline): Benign. Review status: criteria provided, multiple submitters, no conflicts (2 of 4 stars). 4 submissions from 4 submitters: Benign (3). 1 of the submissions does not count toward it. Last evaluated 2026-01-15.

Conditions:
ADAMTS9-related disorder. Also called: ADAMTS9-related condition.

Allele frequency attached by ClinVar (database versions not stated): ESP Exome Variant Server 0.00138; gnomAD 0.01014 and 0.00769; 1000 Genomes Project 30x 0.02920; gnomAD exomes 0.00766 and 0.02255; 1000 Genomes Project 0.02975; ExAC 0.01945; TOPMed 0.01418.
gnomAD v4.1: 12,801 of 1,613,902 alleles (0.79%); highest among the groups gnomAD compares: Admixed American, 8.2%; 485 homozygotes.

Submissions (4):

Labcorp Genetics (formerly Invitae), Labcorp
Classification: Benign. Last evaluated: 2026-01-15. Review status: criteria provided, single submitter. Criteria: Invitae Variant Classification Sherloc (09022015). Collection method: clinical testing. Allele origin: germline.

GeneDx
Classification: Benign. Last evaluated: 2021-05-04. Review status: criteria provided, single submitter. Criteria: GeneDx Variant Classification Process June 2021. Collection method: clinical testing. Allele origin: germline. Affected: yes.

Breakthrough Genomics
Classification: Benign. Review status: criteria provided, single submitter. Criteria: ACMG Guidelines, 2015. Collection method: not provided. Allele origin: germline. Inheritance: Unknown mechanism. Affected: yes.

PreventionGenetics, part of Exact Sciences
Classification: Benign for ADAMTS9-related condition. Last evaluated: 2019-06-12. Review status: no assertion criteria provided. Collection method: clinical testing. Allele origin: germline. Not counted in ClinVar's aggregate classification.
Comment: This variant is classified as benign based on ACMG/AMP sequence variant interpretation guidelines (Richards et al. 2015 PMID: 25741868, with internal and published modifications).